The following is an entry in ClinVar:

ClinVar aggregate classification (germline): Uncertain significance (1 of 4 stars; one submission).

Conditions:
Myopathy, tubular aggregate, 2 (TAM2). Identifiers: MedGen C4014557, MONDO:0014383, OMIM 615883.
Combined immunodeficiency due to ORAI1 deficiency. Also called: IMMUNODEFICIENCY 9. Identifiers: Orphanet 169090, Orphanet 317428, MedGen C2748568, MONDO:0013007, OMIM 612782.

Allele frequency attached by ClinVar (database versions not stated): gnomAD exomes below 0.00001.

Submission:

Labcorp Genetics (formerly Invitae), Labcorp
Classification: Uncertain significance for Myopathy, tubular aggregate, 2; Combined immunodeficiency due to ORAI1 deficiency. Last evaluated: 2023-06-16. Review status: criteria provided, single submitter. Criteria: Invitae Variant Classification Sherloc (09022015). Collection method: clinical testing. Allele origin: germline.
Comment: Experimental studies and prediction algorithms are not available or were not evaluated, and the functional significance of this variant is currently unknown. In summary, the available evidence is currently insufficient to determine the role of this variant in disease. Therefore, it has been classified as a Variant of Uncertain Significance. This variant has not been reported in the literature in individuals affected with ORAI1-related conditions. This sequence change replaces proline, which is neutral and non-polar, with alanine, which is neutral and non-polar, at codon 45 of the ORAI1 protein (p.Pro45Ala). This variant is not present in population databases (gnomAD no frequency).

NM_032790.4(ORAI1):c.133C>G (p.Pro45Ala)

Genes: ORAI1 (ORAI calcium release-activated calcium modulator 1; plus strand), LOC130008987 (ATAC-STARR-seq lymphoblastoid silent region 4981; plus strand). Cytogenetic location: 12q24.31.
Variant type: single nucleotide variant.
Coding change: c.133C>G on transcript NM_032790.4 (MANE Select); coding-DNA position 133, C replaced by G.
Protein change: p.Pro45Ala; replaces proline 45 with alanine.
Molecular consequence: missense variant. On other transcripts: non-coding transcript variant (1).
Genome position (GRCh38, 1-based): chr12:121,626,880, C>G. VCF-style: chr12-121626880-C-G. GRCh37 (hg19) VCF-style: chr12-122064786-C-G.
Other names: short protein forms P45A.
Identifiers: ClinVar variation 2930744 (VCV002930744.3), dbSNP rs1892790834, ClinGen allele CA386980808.